The following is an entry in ClinVar:

ClinVar aggregate classification (germline): Conflicting classifications of pathogenicity. Review status: criteria provided, conflicting classifications (1 of 4 stars). 2 submissions from 2 submitters: Uncertain significance (1); Likely benign (1). Last evaluated 2025-08-09.

Conditions:
MGAM-related disorder. Also called: MGAM-related condition.

gnomAD v4.1: 314 of 1,613,712 alleles (0.019%); highest among the groups gnomAD compares: African/African-American, 0.39%; no homozygotes.

Submissions (2):

Ambry Genetics
Classification: Uncertain significance. Last evaluated: 2025-08-09. Review status: criteria provided, single submitter. Criteria: Ambry Variant Classification Scheme 2023. Collection method: clinical testing. Allele origin: germline.

PreventionGenetics, part of Exact Sciences
Classification: Likely benign for MGAM-related condition. Last evaluated: 2024-12-13. Review status: criteria provided, single submitter. Criteria: ACMG Guidelines, 2015. Collection method: clinical testing. Allele origin: germline.
Comment: This variant is classified as likely benign based on ACMG/AMP sequence variant interpretation guidelines (Richards et al. 2015 PMID: 25741868, with internal and published modifications).

NM_001365693.1(MGAM):c.7630T>G (p.Trp2544Gly)

Gene: MGAM (maltase-glucoamylase; plus strand). Cytogenetic location: 7q34.
Variant type: single nucleotide variant.
Coding change: c.7630T>G on transcript NM_001365693.1 (MANE Select); coding-DNA position 7630, T replaced by G.
Protein change: p.Trp2544Gly; replaces tryptophan 2544 with glycine.
Molecular consequence: missense variant.
Genome position (GRCh38, 1-based): chr7:142,096,353, T>G. VCF-style: chr7-142096353-T-G. GRCh37 (hg19) VCF-style: chr7-141796153-T-G.
Other names: c.4942T>G, p.Trp1648Gly (NM_004668.3); short protein forms W1648G, W2544G.
Identifiers: ClinVar variation 4107343 (VCV004107343.2).